The following is an entry in ClinVar:

ClinVar aggregate classification (germline): Uncertain significance (1 of 4 stars; one submission).

Submission:

Mayo Clinic Laboratories, Mayo Clinic
Classification: Uncertain significance. Last evaluated: 2025-10-16. Review status: criteria provided, single submitter. Criteria: ACMG Guidelines, 2015. Collection method: clinical testing. Allele origin: germline. Observed: 1 variant allele.
Comment: BP4_moderate

NM_000426.4(LAMA2):c.2861G>A (p.Gly954Glu)

Gene: LAMA2 (laminin subunit alpha 2; plus strand). Cytogenetic location: 6q22.33.
Variant type: single nucleotide variant.
Coding change: c.2861G>A on transcript NM_000426.4 (MANE Select); coding-DNA position 2861, G replaced by A.
Protein change: p.Gly954Glu; replaces glycine 954 with glutamic acid.
Molecular consequence: missense variant.
Genome position (GRCh38, 1-based): chr6:129,297,689, G>A. VCF-style: chr6-129297689-G-A. GRCh37 (hg19) VCF-style: chr6-129618834-G-A.
Other names: p.Gly954Glu; c.2861G>A, p.Gly954Glu (NM_001079823.2); short protein forms G954E.
Identifiers: ClinVar variation 4541212 (VCV004541212.1).